The following is an entry in ClinVar:

NM_003200.5(TCF3):c.1250C>T (p.Thr417Met)

Gene: TCF3 (transcription factor 3; minus strand). Cytogenetic location: 19p13.3.
Variant type: single nucleotide variant.
Coding change: c.1250C>T on transcript NM_003200.5 (MANE Select); coding-DNA position 1250, C replaced by T.
Protein change: p.Thr417Met; replaces threonine 417 with methionine.
Molecular consequence: missense variant.
Genome position (GRCh38, 1-based): chr19:1,619,392, G>A on the plus strand (C>T on the coding strand, the complement: TCF3 is on the minus strand). VCF-style: chr19-1619392-G-A. GRCh37 (hg19) VCF-style: chr19-1619391-G-A.
Other names: c.1250C>T, p.Thr417Met (NM_001136139.4, NM_001351779.2); c.1247C>T, p.Thr416Met (NM_001351778.2); c.1250C>T (NM_003200.3); short protein forms T416M, T417M.
Identifiers: ClinVar variation 1901489 (VCV001901489.6), dbSNP rs779358744, ClinGen allele CA9049960.
Genomic context (GRCh38, chr19:1,619,392, plus strand): 5'-CCGCCCAGTGACATGGGGCCGGTGAAACCTGAGGCCAGCGCCCCGTGGCCAGGCAGCAGC[G>A]TGTGCATGTCGCCGGCTGTGCCCACGGCGTGGCTGCGGAGCACGTGGATGGCCTCGTCCA-3'
Protein context (NP_003191.1, residues 407-427): HAVGTAGDMH[Thr417Met]LLPGHGALAS

ClinVar aggregate classification (germline): Uncertain significance. Review status: criteria provided, multiple submitters, no conflicts (2 of 4 stars). 2 submissions from 2 submitters: Uncertain significance (2). Last evaluated 2025-06-23.

Conditions:
Inborn genetic diseases. Identifiers: MedGen C0950123, MeSH D030342.

Allele frequency attached by ClinVar (database versions not stated): gnomAD exomes 0.00001; ExAC 0.00002.
gnomAD v4.1: 12 of 1,593,778 alleles (0.00075%); highest among the groups gnomAD compares: Admixed American, 0.0084%; no homozygotes.

Submissions (2):

Ambry Genetics
Classification: Uncertain significance for Inborn genetic diseases. Last evaluated: 2025-06-23. Review status: criteria provided, single submitter. Criteria: Ambry Variant Classification Scheme 2023. Collection method: clinical testing. Allele origin: germline.

Labcorp Genetics (formerly Invitae), Labcorp
Classification: Uncertain significance. Last evaluated: 2022-09-06. Review status: criteria provided, single submitter. Criteria: Invitae Variant Classification Sherloc (09022015). Collection method: clinical testing. Allele origin: germline.
Comment: This sequence change replaces threonine, which is neutral and polar, with methionine, which is neutral and non-polar, at codon 417 of the TCF3 protein (p.Thr417Met). This variant is present in population databases (rs779358744, gnomAD 0.02%). This variant has not been reported in the literature in individuals affected with TCF3-related conditions. Algorithms developed to predict the effect of missense changes on protein structure and function are either unavailable or do not agree on the potential impact of this missense change (SIFT: "Not Available"; PolyPhen-2: "Benign"; Align-GVGD: "Not Available"). In summary, the available evidence is currently insufficient to determine the role of this variant in disease. Therefore, it has been classified as a Variant of Uncertain Significance.